The following is an entry in ClinVar:

NM_001355436.2(SPTB):c.4002G>A (p.Ala1334=)

Gene: SPTB (spectrin beta, erythrocytic; minus strand). Cytogenetic location: 14q23.3.
Variant type: single nucleotide variant.
Coding change: c.4002G>A on transcript NM_001355436.2 (MANE Select); coding-DNA position 4002, G replaced by A.
Protein change: p.Ala1334=; no amino-acid change (alanine 1334 retained).
Molecular consequence: synonymous variant.
Genome position (GRCh38, 1-based): chr14:64,784,247, C>T on the plus strand (G>A on the coding strand, the complement: SPTB is on the minus strand). VCF-style: chr14-64784247-C-T. GRCh37 (hg19) VCF-style: chr14-65250965-C-T.
Other names: c.4002G>A, p.Ala1334= (NM_001024858.4, NM_001355437.2).
Identifiers: ClinVar variation 2644321 (VCV002644321.24), dbSNP rs755683215, ClinGen allele CA7230437.

ClinVar aggregate classification (germline): Likely benign (1 of 4 stars; one submission).

Allele frequency attached by ClinVar (database versions not stated): gnomAD 0.00001; gnomAD exomes 0.00001; TOPMed 0.00001; ExAC 0.00002.
gnomAD v4.1: 16 of 1,614,084 alleles (0.00099%); highest among the groups gnomAD compares: Middle Eastern, 0.016%; no homozygotes.

Submission:

CeGaT Center for Human Genetics Tuebingen
Classification: Likely benign. Last evaluated: 2023-10-01. Review status: criteria provided, single submitter. Criteria: CeGaT Center For Human Genetics Tuebingen Variant Classification Criteria Version 2. Collection method: clinical testing. Allele origin: germline. Affected: yes. Observed: 1 variant allele.
Comment: SPTB: BP4, BP7